The following is an entry in ClinVar:

NM_013275.6(ANKRD11):c.6784G>C (p.Gly2262Arg)

Gene: ANKRD11 (ankyrin repeat domain containing 11; minus strand). Cytogenetic location: 16q24.3.
Variant type: single nucleotide variant.
Coding change: c.6784G>C on transcript NM_013275.6 (MANE Select); coding-DNA position 6784, G replaced by C.
Protein change: p.Gly2262Arg; replaces glycine 2262 with arginine.
Molecular consequence: missense variant.
Genome position (GRCh38, 1-based): chr16:89,279,758, C>G on the plus strand (G>C on the coding strand, the complement: ANKRD11 is on the minus strand). VCF-style: chr16-89279758-C-G. GRCh37 (hg19) VCF-style: chr16-89346166-C-G.
Other names: c.6784G>C, p.Gly2262Arg (NM_001256182.2, NM_001256183.2); short protein forms G2262R.
Identifiers: ClinVar variation 3766261 (VCV003766261.1).
Genomic context (GRCh38, chr16:89,279,758, plus strand): 5'-CTTGTGCCACAGTGTTCGGGGCGGGGCCGTCAGGGGCACAGAGGGACGCGGCGGGGGGGC[C>G]TTCAGCCTCAGCCCCCTGGTCTCCGCTCCCCAGTGGGCGCTGTTCTGGGGGAACGGGCGC-3'
Protein context (NP_037407.4, residues 2252-2272): GSGDQGAEAE[Gly2262Arg]PPAASLCAPD

ClinVar aggregate classification (germline): Uncertain significance (1 of 4 stars; one submission).

Submission:

GeneDx
Classification: Uncertain significance. Last evaluated: 2024-08-30. Review status: criteria provided, single submitter. Criteria: GeneDx Variant Classification Process June 2021. Collection method: clinical testing. Allele origin: germline. Affected: yes.
Comment: Not observed at significant frequency in large population cohorts (gnomAD); In silico analysis indicates that this missense variant does not alter protein structure/function; Has not been previously published as pathogenic or benign to our knowledge